The following is an entry in ClinVar:

ClinVar aggregate classification (germline): Uncertain significance (1 of 4 stars; one submission).

Allele frequency attached by ClinVar (database versions not stated): gnomAD exomes 0.00001.
gnomAD v4.1: 11 of 1,613,882 alleles (0.00068%); highest among the groups gnomAD compares: Non-Finnish European, 0.00093%; no homozygotes.

Submission:

GeneDx
Classification: Uncertain significance. Last evaluated: 2019-05-02. Review status: criteria provided, single submitter. Criteria: GeneDx Variant Classification Process June 2021. Collection method: clinical testing. Allele origin: germline. Affected: yes.
Comment: Not observed in large population cohorts (Lek et al., 2016); In silico analysis, which includes protein predictors and evolutionary conservation, supports a deleterious effect; Has not been previously published as pathogenic or benign to our knowledge

NM_005422.4(TECTA):c.5582T>G (p.Val1861Gly)

Genes: TBCEL-TECTA (TBCEL-TECTA readthrough; plus strand), TECTA (tectorin alpha; plus strand). Cytogenetic location: 11q23.3.
Variant type: single nucleotide variant.
Coding change: c.5582T>G on transcript NM_005422.4 (MANE Select); coding-DNA position 5582, T replaced by G.
Protein change: p.Val1861Gly; replaces valine 1861 with glycine.
Molecular consequence: missense variant.
Genome position (GRCh38, 1-based): chr11:121,166,776, T>G. VCF-style: chr11-121166776-T-G. GRCh37 (hg19) VCF-style: chr11-121037485-T-G.
Other names: c.6524T>G, p.Val2175Gly (NM_001378761.1); short protein forms V1861G, V2175G.
Identifiers: ClinVar variation 1302047 (VCV001302047.2), dbSNP rs2135130335, ClinGen allele CA383035062.